The following is an entry in ClinVar:

ClinVar aggregate classification (germline): Uncertain significance (1 of 4 stars; one submission).

Allele frequency attached by ClinVar (database versions not stated): ExAC 0.00001; gnomAD 0.00001; TOPMed 0.00001.

Submission:

Labcorp Genetics (formerly Invitae), Labcorp
Classification: Uncertain significance. Last evaluated: 2022-09-01. Review status: criteria provided, single submitter. Criteria: Invitae Variant Classification Sherloc (09022015). Collection method: clinical testing. Allele origin: germline.
Comment: Experimental studies and prediction algorithms are not available or were not evaluated, and the functional significance of this variant is currently unknown. This sequence change replaces glycine, which is neutral and non-polar, with aspartic acid, which is acidic and polar, at codon 23 of the SLC46A1 protein (p.Gly23Asp). The frequency data for this variant in the population databases is considered unreliable, as metrics indicate poor data quality at this position in the gnomAD database. This variant has not been reported in the literature in individuals affected with SLC46A1-related conditions. In summary, the available evidence is currently insufficient to determine the role of this variant in disease. Therefore, it has been classified as a Variant of Uncertain Significance.

NM_080669.6(SLC46A1):c.68G>A (p.Gly23Asp)

Gene: SLC46A1 (solute carrier family 46 member 1; minus strand). Cytogenetic location: 17q11.2.
Variant type: single nucleotide variant.
Coding change: c.68G>A on transcript NM_080669.6 (MANE Select); coding-DNA position 68, G replaced by A.
Protein change: p.Gly23Asp; replaces glycine 23 with aspartic acid.
Molecular consequence: missense variant.
Genome position (GRCh38, 1-based): chr17:28,406,047, C>T on the plus strand (G>A on the coding strand, the complement: SLC46A1 is on the minus strand). VCF-style: chr17-28406047-C-T. GRCh37 (hg19) VCF-style: chr17-26733065-C-T.
Other names: c.68G>A, p.Gly23Asp (NM_001242366.3); short protein forms G23D.
Identifiers: ClinVar variation 2188709 (VCV002188709.3), dbSNP rs782128468, ClinGen allele CA8458406.